The following is an entry in ClinVar:

NM_175914.5(HNF4A):c.536G>A (p.Trp179Ter)

Gene: HNF4A (hepatocyte nuclear factor 4 alpha; plus strand). Cytogenetic location: 20q13.12.
Variant type: single nucleotide variant.
Coding change: c.536G>A on transcript NM_175914.5 (MANE Select); coding-DNA position 536, G replaced by A.
Protein change: p.Trp179Ter; replaces tryptophan 179 with a stop codon.
Molecular consequence: nonsense.
Genome position (GRCh38, 1-based): chr20:44,414,616, G>A. VCF-style: chr20-44414616-G-A. GRCh37 (hg19) VCF-style: chr20-43043256-G-A.
Other names: c.602G>A, p.Trp201Ter (NM_000457.6, NM_178849.3, NM_178850.3); c.536G>A, p.Trp179Ter (NM_001030003.3, NM_001030004.3); c.581G>A, p.Trp194Ter (NM_001258355.2); c.527G>A, p.Trp176Ter (NM_001287182.2, NM_001287183.2, NM_001287184.2); short protein forms W179*, W194*, W176*, W201*.
Identifiers: ClinVar variation 1436365 (VCV001436365.6), dbSNP rs2146417581, ClinGen allele CA409106100.

ClinVar aggregate classification (germline): Pathogenic (1 of 4 stars; one submission).

Submission:

Labcorp Genetics (formerly Invitae), Labcorp
Classification: Pathogenic. Last evaluated: 2022-10-17. Review status: criteria provided, single submitter. Criteria: Invitae Variant Classification Sherloc (09022015). Collection method: clinical testing. Allele origin: germline.
Comment: This sequence change creates a premature translational stop signal (p.Trp179*) in the HNF4A gene. It is expected to result in an absent or disrupted protein product. Loss-of-function variants in HNF4A are known to be pathogenic (PMID: 20164212, 23275527, 23348805, 24097065). This variant is not present in population databases (gnomAD no frequency). This variant has not been reported in the literature in individuals affected with HNF4A-related conditions. ClinVar contains an entry for this variant (Variation ID: 1436365). For these reasons, this variant has been classified as Pathogenic.

Literature cited by the submitters: PubMed 20164212; PubMed 23275527; PubMed 23348805; PubMed 24097065.